The following is an entry in ClinVar:

ClinVar aggregate classification (germline): Uncertain significance (1 of 4 stars; one submission).

Allele frequency attached by ClinVar (database versions not stated): TOPMed below 0.00001; gnomAD 0.00001.

Submission:

Labcorp Genetics (formerly Invitae), Labcorp
Classification: Uncertain significance. Last evaluated: 2022-06-19. Review status: criteria provided, single submitter. Criteria: Invitae Variant Classification Sherloc (09022015). Collection method: clinical testing. Allele origin: germline.
Comment: This sequence change replaces lysine, which is basic and polar, with glutamic acid, which is acidic and polar, at codon 2613 of the VPS13A protein (p.Lys2613Glu). This variant is not present in population databases (gnomAD no frequency). This variant has not been reported in the literature in individuals affected with VPS13A-related conditions. Algorithms developed to predict the effect of missense changes on protein structure and function (SIFT, PolyPhen-2, Align-GVGD) all suggest that this variant is likely to be tolerated. In summary, the available evidence is currently insufficient to determine the role of this variant in disease. Therefore, it has been classified as a Variant of Uncertain Significance.

NM_033305.3(VPS13A):c.7837A>G (p.Lys2613Glu)

Gene: VPS13A (vacuolar protein sorting 13 homolog A; plus strand). Cytogenetic location: 9q21.2.
Variant type: single nucleotide variant.
Coding change: c.7837A>G on transcript NM_033305.3 (MANE Select); coding-DNA position 7837, A replaced by G.
Protein change: p.Lys2613Glu; replaces lysine 2613 with glutamic acid.
Molecular consequence: missense variant.
Genome position (GRCh38, 1-based): chr9:77,357,722, A>G. VCF-style: chr9-77357722-A-G. GRCh37 (hg19) VCF-style: chr9-79972638-A-G.
Other names: c.7720A>G, p.Lys2574Glu (NM_001018037.2); c.7837A>G, p.Lys2613Glu (NM_001018038.3, NM_015186.4); short protein forms K2574E, K2613E.
Identifiers: ClinVar variation 1985339 (VCV001985339.1), dbSNP rs1164179572, ClinGen allele CA373858725.
Genomic context (GRCh38, chr9:77,357,722, plus strand): 5'-TTTTTTCATTTGGGGGGACATATTTTTCAGGTTCGCCTAACCCCTACTGGTCATAACATG[A>G]AAATTCTGCAGCCGCATGTAATAGCTCTACGAAGAAATTATCTTCCAGCATTAAAAGTGG-3'
Protein context (NP_150648.2, residues 2603-2623): VRLTPTGHNM[Lys2613Glu]ILQPHVIALR